The following is an entry in ClinVar:

NM_000350.3(ABCA4):c.1838A>G (p.Asp613Gly)

Gene: ABCA4 (ATP binding cassette subfamily A member 4; minus strand). Cytogenetic location: 1p22.1.
Variant type: single nucleotide variant.
Coding change: c.1838A>G on transcript NM_000350.3 (MANE Select); coding-DNA position 1838, A replaced by G.
Protein change: p.Asp613Gly; replaces aspartic acid 613 with glycine.
Molecular consequence: missense variant.
Genome position (GRCh38, 1-based): chr1:94,062,676, T>C on the plus strand (A>G on the coding strand, the complement: ABCA4 is on the minus strand). VCF-style: chr1-94062676-T-C. GRCh37 (hg19) VCF-style: chr1-94528232-T-C.
Other names: c.1838A>G, p.Asp613Gly (NM_001425324.1); short protein forms D613G.
Identifiers: ClinVar variation 3383231 (VCV003383231.1).

ClinVar aggregate classification (germline): Uncertain significance (1 of 4 stars; one submission).

Conditions:
Severe early-childhood-onset retinal dystrophy (STGD1). Also called: Stargardt macular dystrophy; Juvenile onset macular degeneration; Stargardt disease 1; MACULAR DYSTROPHY WITH FLECKS, TYPE 1; STGD. Identifiers: Orphanet 364055, Orphanet 827, MedGen C1855465, MeSH D000080362, MONDO:0009549, OMIM 248200.

gnomAD v4.1: 1 of 1,614,130 alleles (0.000062%); highest among the groups gnomAD compares: Non-Finnish European, 0.000085%; no homozygotes.

Submission:

MVZ Medizinische Genetik Mainz
Classification: Uncertain significance for Severe early-childhood-onset retinal dystrophy. Last evaluated: 2024-11-04. Review status: criteria provided, single submitter. Criteria: UK Practice Guidelines For Variant Classification V4 01 2020. Collection method: clinical testing. Allele origin: germline. Inheritance: Autosomal recessive inheritance. Observed: 1 variant allele.
Comment: ACMG Criteria: PP3_MOD,PM2_SUP,PM5_SUP,PP4